The following is an entry in ClinVar:

NM_020975.6(RET):c.1484A>G (p.Gln495Arg)

Gene: RET (ret proto-oncogene; plus strand). Cytogenetic location: 10q11.21.
Variant type: single nucleotide variant.
Coding change: c.1484A>G on transcript NM_020975.6 (MANE Select); coding-DNA position 1484, A replaced by G.
Protein change: p.Gln495Arg; replaces glutamine 495 with arginine.
Molecular consequence: missense variant.
Genome position (GRCh38, 1-based): chr10:43,111,427, A>G. VCF-style: chr10-43111427-A-G. GRCh37 (hg19) VCF-style: chr10-43606875-A-G.
Other names: c.1484A>G, p.Gln495Arg (NM_000323.2, NM_001406743.1, NM_001406744.1 and 6 more transcripts); c.722A>G, p.Gln241Arg (NM_001355216.2); c.1355A>G, p.Gln452Arg (NM_001406761.1, NM_001406762.1, NM_001406764.1 and 1 more transcripts); c.1196A>G, p.Gln399Arg (NM_001406766.1, NM_001406767.1, NM_001406770.1); c.1088A>G, p.Gln363Arg (NM_001406769.1, NM_001406772.1); c.1046A>G, p.Gln349Arg (NM_001406771.1, NM_001406773.1); c.959A>G, p.Gln320Arg (NM_001406774.1); c.758A>G, p.Gln253Arg (NM_001406775.1, NM_001406776.1, NM_001406777.1 and 1 more transcripts); and 1 more; short protein forms Q495R, Q241R, Q320R, Q349R, Q363R, Q452R, Q165R, Q253R.
Identifiers: ClinVar variation 581344 (VCV000581344.16), dbSNP rs1474283003, ClinGen allele CA376549889.
Genomic context (GRCh38, chr10:43,111,427, plus strand): 5'-GGCCCAAGTGTGCCGAACTTCACTACATGGTGGTGGCCACCGACCAGCAGACCTCTAGGC[A>G]GGCCCAGGCCCAGCTGCTTGTAACAGTGGAGGGGTCATGTGAGTGCCTGCTCCAGGGAGG-3'
Protein context (NP_066124.1, residues 485-505): VVATDQQTSR[Gln495Arg]AQAQLLVTVE

ClinVar aggregate classification (germline): Uncertain significance. Review status: criteria provided, multiple submitters, no conflicts (2 of 4 stars). 3 submissions from 3 submitters: Uncertain significance (3). Last evaluated 2025-07-16.

Conditions:
Hereditary cancer-predisposing syndrome. Also called: Neoplastic Syndromes, Hereditary; Tumor predisposition; Hereditary neoplastic syndrome; Hereditary Cancer Syndrome. Identifiers: Orphanet 140162, MedGen C0027672, MeSH D009386, MONDO:0015356.
Multiple endocrine neoplasia, type 2 (MEN2). Identifiers: Orphanet 653, MedGen C4048306, MONDO:0019003. Disease mechanism: gain of function.

Allele frequency attached by ClinVar (database versions not stated): gnomAD exomes below 0.00001; TOPMed below 0.00001.

Submissions (3):

Ambry Genetics
Classification: Uncertain significance for Hereditary cancer-predisposing syndrome. Last evaluated: 2025-07-16. Review status: criteria provided, single submitter. Criteria: Ambry Variant Classification Scheme 2023. Collection method: clinical testing. Allele origin: germline.
Comment: The p.Q495R variant (also known as c.1484A>G), located in coding exon 7 of the RET gene, results from an A to G substitution at nucleotide position 1484. The glutamine at codon 495 is replaced by arginine, an amino acid with highly similar properties. This amino acid position is not well conserved in available vertebrate species. In addition, this alteration is predicted to be tolerated by in silico analysis. Based on the available evidence, the clinical significance of this variant remains unclear.

Labcorp Genetics (formerly Invitae), Labcorp
Classification: Uncertain significance for Multiple endocrine neoplasia, type 2. Last evaluated: 2025-03-12. Review status: criteria provided, single submitter. Criteria: Invitae Variant Classification Sherloc (09022015). Collection method: clinical testing. Allele origin: germline.
Comment: This sequence change replaces glutamine, which is neutral and polar, with arginine, which is basic and polar, at codon 495 of the RET protein (p.Gln495Arg). This variant is present in population databases (no rsID available, gnomAD 0.003%). This variant has not been reported in the literature in individuals affected with RET-related conditions. ClinVar contains an entry for this variant (Variation ID: 581344). An algorithm developed to predict the effect of missense changes on protein structure and function (PolyPhen-2) suggests that this variant is likely to be tolerated. In summary, the available evidence is currently insufficient to determine the role of this variant in disease. Therefore, it has been classified as a Variant of Uncertain Significance.

All of Us Research Program, National Institutes of Health
Classification: Uncertain significance for Multiple endocrine neoplasia, type 2. Last evaluated: 2024-03-24. Review status: criteria provided, single submitter. Criteria: ACMG Guidelines, 2015. Collection method: clinical testing. Allele origin: germline. Inheritance: Autosomal dominant inheritance. Observed: 1 variant allele, 1 heterozygote.
Comment: This missense variant replaces glutamine with arginine at codon 495 of the RET protein. Computational prediction suggests that this variant may not impact protein structure and function (internally defined REVEL score threshold <= 0.5, PMID: 27666373). To our knowledge, functional studies have not been reported for this variant. This variant has not been reported in individuals affected with RET-related disorders in the literature. This variant has been identified in 1/250206 chromosomes in the general population by the Genome Aggregation Database (gnomAD). The available evidence is insufficient to determine the role of this variant in disease conclusively. Therefore, this variant is classified as a Variant of Uncertain Significance.

This study involves interpretation of variants in research participants for the purpose of population health screening. Participant phenotype was not available at the time of variant classification. Additional details can be found in publication PMID: 35346344, PMCID: PMC8962531